The following is an entry in ClinVar:

NM_031307.4(PUS3):c.46A>G (p.Lys16Glu)

Genes: HYLS1 (HYLS1 centriolar and ciliogenesis associated; plus strand), PUS3 (pseudouridine synthase 3; minus strand). Cytogenetic location: 11q24.2.
Variant type: single nucleotide variant.
Coding change: c.46A>G on transcript NM_031307.4 (MANE Select); coding-DNA position 46, A replaced by G.
Protein change: p.Lys16Glu; replaces lysine 16 with glutamic acid.
Molecular consequence: missense variant. On other transcripts: intron variant (7).
Genome position (GRCh38, 1-based): chr11:125,896,239, T>C on the plus strand (A>G on the coding strand, the complement: PUS3 is on the minus strand). VCF-style: chr11-125896239-T-C. GRCh37 (hg19) VCF-style: chr11-125766134-T-C.
Other names: c.46A>G, p.Lys16Glu (NM_001441237.1, NM_001441239.1, NM_001441240.1 and 1 more transcripts); c.-80-2865T>C (NM_145014.3); c.-25-3105T>C (NM_001134793.2, NM_001377269.1); c.-22-3108T>C (NM_001424364.1, NM_001377270.1); c.-246-450A>G (NM_001271985.2, NM_001441238.1); short protein forms K16E.
Identifiers: ClinVar variation 4700504 (VCV004700504.1).

ClinVar aggregate classification (germline): Uncertain significance (1 of 4 stars; one submission).

gnomAD v4.1: 2 of 1,613,596 alleles (0.00012%); highest among the groups gnomAD compares: African/African-American, 0.0013%; no homozygotes.

Submission:

Labcorp Genetics (formerly Invitae), Labcorp
Classification: Uncertain significance. Last evaluated: 2025-11-06. Review status: criteria provided, single submitter. Criteria: Invitae Variant Classification Sherloc (09022015). Collection method: clinical testing. Allele origin: germline.
Comment: This sequence change replaces lysine, which is basic and polar, with glutamic acid, which is acidic and polar, at codon 16 of the PUS3 protein (p.Lys16Glu). This variant is present in population databases (rs777804568, gnomAD 0.008%). This variant has not been reported in the literature in individuals affected with PUS3-related conditions. Invitae Evidence Modeling of protein sequence and biophysical properties (such as structural, functional, and spatial information, amino acid conservation, physicochemical variation, residue mobility, and thermodynamic stability) indicates that this missense variant is not expected to disrupt PUS3 protein function with a negative predictive value of 80%. In summary, the available evidence is currently insufficient to determine the role of this variant in disease. Therefore, it has been classified as a Variant of Uncertain Significance.